The following is an entry in ClinVar:

ClinVar aggregate classification (germline): Uncertain significance (1 of 4 stars; one submission).

Allele frequency attached by ClinVar (database versions not stated): gnomAD exomes below 0.00001.
gnomAD v4.1: 1 of 1,614,076 alleles (0.000062%); highest among the groups gnomAD compares: Non-Finnish European, 0.000085%; no homozygotes.

Submission:

Labcorp Genetics (formerly Invitae), Labcorp
Classification: Uncertain significance. Last evaluated: 2023-04-29. Review status: criteria provided, single submitter. Criteria: Invitae Variant Classification Sherloc (09022015). Collection method: clinical testing. Allele origin: germline.
Comment: In summary, the available evidence is currently insufficient to determine the role of this variant in disease. Therefore, it has been classified as a Variant of Uncertain Significance. Advanced modeling of protein sequence and biophysical properties (such as structural, functional, and spatial information, amino acid conservation, physicochemical variation, residue mobility, and thermodynamic stability) performed at Invitae indicates that this missense variant is not expected to disrupt ELOVL1 protein function. This variant has not been reported in the literature in individuals affected with ELOVL1-related conditions. This variant is not present in population databases (gnomAD no frequency). This sequence change replaces isoleucine, which is neutral and non-polar, with methionine, which is neutral and non-polar, at codon 158 of the ELOVL1 protein (p.Ile158Met).

NM_022821.4(ELOVL1):c.474T>G (p.Ile158Met)

Gene: ELOVL1 (ELOVL fatty acid elongase 1; minus strand). Cytogenetic location: 1p34.2.
Variant type: single nucleotide variant.
Coding change: c.474T>G on transcript NM_022821.4 (MANE Select); coding-DNA position 474, T replaced by G.
Protein change: p.Ile158Met; replaces isoleucine 158 with methionine.
Molecular consequence: missense variant.
Genome position (GRCh38, 1-based): chr1:43,364,549, A>C on the plus strand (T>G on the coding strand, the complement: ELOVL1 is on the minus strand). VCF-style: chr1-43364549-A-C. GRCh37 (hg19) VCF-style: chr1-43830220-A-C.
Other names: c.474T>G, p.Ile158Met (NM_001256399.2); c.393T>G, p.Ile131Met (NM_001256401.2); c.231T>G, p.Ile77Met (NM_001256402.2); short protein forms I131M, I158M, I77M.
Identifiers: ClinVar variation 2860651 (VCV002860651.3), dbSNP rs2545705366, ClinGen allele CA340015387.